The following is an entry in ClinVar:

NM_015267.4(CUX2):c.1793G>A (p.Trp598Ter)

Gene: CUX2 (cut like homeobox 2; plus strand). Cytogenetic location: 12q24.12.
Variant type: single nucleotide variant.
Coding change: c.1793G>A on transcript NM_015267.4 (MANE Select); coding-DNA position 1793, G replaced by A.
Protein change: p.Trp598Ter; replaces tryptophan 598 with a stop codon.
Molecular consequence: nonsense.
Genome position (GRCh38, 1-based): chr12:111,310,575, G>A. VCF-style: chr12-111310575-G-A. GRCh37 (hg19) VCF-style: chr12-111748379-G-A.
Other names: c.1607G>A, p.Trp536Ter (NM_001370598.1); short protein forms W536*, W598*.
Identifiers: ClinVar variation 2504961 (VCV002504961.1), dbSNP rs2499834254, ClinGen allele CA386709906.

ClinVar aggregate classification (germline): Uncertain significance (1 of 4 stars; one submission).

Submission:

GeneDx
Classification: Uncertain significance. Last evaluated: 2022-12-06. Review status: criteria provided, single submitter. Criteria: GeneDx Variant Classification Process June 2021. Collection method: clinical testing. Allele origin: germline. Affected: yes.
Comment: Not observed at significant frequency in large population cohorts (gnomAD); Nonsense variant predicted to result in protein truncation or nonsense mediated decay in a gene or region of a gene for which loss of function is not a well-established mechanism of disease; Has not been previously published as pathogenic or benign to our knowledge